The following is an entry in ClinVar:

NM_014363.6(SACS):c.6742G>T (p.Ala2248Ser)

Gene: SACS (sacsin molecular chaperone; minus strand). Cytogenetic location: 13q12.12.
Variant type: single nucleotide variant.
Coding change: c.6742G>T on transcript NM_014363.6 (MANE Select); coding-DNA position 6742, G replaced by T.
Protein change: p.Ala2248Ser; replaces alanine 2248 with serine.
Molecular consequence: missense variant.
Genome position (GRCh38, 1-based): chr13:23,337,134, C>A on the plus strand (G>T on the coding strand, the complement: SACS is on the minus strand). VCF-style: chr13-23337134-C-A. GRCh37 (hg19) VCF-style: chr13-23911273-C-A.
Other names: c.6301G>T, p.Ala2101Ser (NM_001278055.2); c.6769G>T, p.Ala2257Ser (NM_001437336.1); short protein forms A2101S, A2248S, A2257S.
Identifiers: ClinVar variation 4682256 (VCV004682256.1).

ClinVar aggregate classification (germline): Uncertain significance (1 of 4 stars; one submission).

gnomAD v4.1: 4 of 1,613,854 alleles (0.00025%); highest among the groups gnomAD compares: African/African-American, 0.0053%; no homozygotes.

Submission:

Athena Diagnostics
Classification: Uncertain significance. Last evaluated: 2025-02-04. Review status: criteria provided, single submitter. Criteria: Athena Diagnostics Criteria. Collection method: clinical testing. Allele origin: unknown.
Comment: Available data are insufficient to determine the clinical significance of the variant at this time. The frequency of this variant in the general population is uninformative in assessment of its pathogenicity. Polyphen and MutationTaster predict this amino acid change may be benign.

Literature cited by the submitters: PubMed 23280630.